The following is an entry in ClinVar:

ClinVar aggregate classification (germline): Uncertain significance. Review status: criteria provided, multiple submitters, no conflicts (2 of 4 stars). 2 submissions from 2 submitters: Uncertain significance (2). Last evaluated 2026-01-30.

Conditions:
RPS6KA3-related disorder. Also called: RPS6KA3-related condition.

Allele frequency attached by ClinVar (database versions not stated): gnomAD exomes below 0.00001; TOPMed 0.00001.
gnomAD v4.1: 5 of 1,210,667 alleles (0.00041%); highest among the groups gnomAD compares: Middle Eastern, 0.023%; no homozygotes.

Submissions (2):

PreventionGenetics, part of Exact Sciences
Classification: Uncertain significance for RPS6KA3-related condition. Last evaluated: 2026-01-30. Review status: criteria provided, single submitter. Criteria: ACMG Guidelines, 2015. Collection method: clinical testing. Allele origin: germline.
Comment: The RPS6KA3 c.2134C>T variant is predicted to result in the amino acid substitution p.Arg712Cys. To our knowledge, this variant has not been reported in the literature or in a large population database (gnomAD), indicating this variant is rare. An alternate missense variant affecting this amino acid (c.2135G>A, p.Arg712His) has been reported in an individual with epilepsy (Supplemental Table 2, Ganapathy et al. 2019. PubMed ID: 31069529). At this time, the clinical significance of this variant is uncertain due to the absence of conclusive functional and genetic evidence.

GeneDx
Classification: Uncertain significance. Last evaluated: 2023-06-04. Review status: criteria provided, single submitter. Criteria: GeneDx Variant Classification Process June 2021. Collection method: clinical testing. Allele origin: germline. Affected: yes.
Comment: Not observed at significant frequency in large population cohorts (gnomAD); In silico analysis supports that this missense variant does not alter protein structure/function; Has not been previously published as pathogenic or benign to our knowledge

NM_004586.3(RPS6KA3):c.2134C>T (p.Arg712Cys)

Gene: RPS6KA3 (ribosomal protein S6 kinase A3; minus strand). Cytogenetic location: Xp22.12.
Variant type: single nucleotide variant.
Coding change: c.2134C>T on transcript NM_004586.3 (MANE Select); coding-DNA position 2134, C replaced by T.
Protein change: p.Arg712Cys; replaces arginine 712 with cysteine.
Molecular consequence: missense variant.
Genome position (GRCh38, 1-based): chrX:20,155,487, G>A on the plus strand (C>T on the coding strand, the complement: RPS6KA3 is on the minus strand). VCF-style: chrX-20155487-G-A. GRCh37 (hg19) VCF-style: chrX-20173605-G-A.
Other names: short protein forms R712C.
Identifiers: ClinVar variation 1342059 (VCV001342059.4), dbSNP rs1323142539, ClinGen allele CA412512052.
Genomic context (GRCh38, chrX:20,155,487, plus strand): 5'-TACCTCTCCGCTGAGCAAGAGTAGAGCGGCCTACTGGTTCCAAAACTGGTGACTGATTAC[G>A]GTTCAAAGCAGAATATGTAGCTGCCATGGCACCCTGAACAAAGGAAATAAAGGTAGTAAC-3'
Protein context (NP_004577.1, residues 702-722): AMAATYSALN[Arg712Cys]NQSPVLEPVG